The following is an entry in ClinVar:

NM_001042492.3(NF1):c.3765A>T (p.Gln1255His)

Gene: NF1 (neurofibromin 1; plus strand). Cytogenetic location: 17q11.2.
Variant type: single nucleotide variant.
Coding change: c.3765A>T on transcript NM_001042492.3 (MANE Select); coding-DNA position 3765, A replaced by T.
Protein change: p.Gln1255His; replaces glutamine 1255 with histidine.
Molecular consequence: missense variant.
Genome position (GRCh38, 1-based): chr17:31,235,667, A>T. VCF-style: chr17-31235667-A-T. GRCh37 (hg19) VCF-style: chr17-29562685-A-T.
Other names: c.3765A>T, p.Gln1255His (NM_000267.4); short protein forms Q1255H.
Identifiers: ClinVar variation 560797 (VCV000560797.8), dbSNP rs766896025, ClinGen allele CA398992520.

ClinVar aggregate classification (germline): Uncertain significance. Review status: criteria provided, multiple submitters, no conflicts (2 of 4 stars). 3 submissions from 3 submitters: Uncertain significance (3). Last evaluated 2024-11-21.

Conditions:
Neurofibromatosis, type 1 (NF1). Also called: VON RECKLINGHAUSEN DISEASE; NEUROFIBROMATOSIS, TYPE I, SOMATIC; Peripheral type neurofibromatosis; Neurofibromatosis, type I. Identifiers: Orphanet 636, MedGen C0027831, MONDO:0018975, OMIM 162200. Disease mechanism: loss of function.

Submissions (3):

Labcorp Genetics (formerly Invitae), Labcorp
Classification: Uncertain significance for Neurofibromatosis, type 1. Last evaluated: 2024-11-21. Review status: criteria provided, single submitter. Criteria: Invitae Variant Classification Sherloc (09022015). Collection method: clinical testing. Allele origin: germline.
Comment: This sequence change replaces glutamine, which is neutral and polar, with histidine, which is basic and polar, at codon 1255 of the NF1 protein (p.Gln1255His). This variant is not present in population databases (gnomAD no frequency). This variant has not been reported in the literature in individuals affected with NF1-related conditions. ClinVar contains an entry for this variant (Variation ID: 560797). Invitae Evidence Modeling of protein sequence and biophysical properties (such as structural, functional, and spatial information, amino acid conservation, physicochemical variation, residue mobility, and thermodynamic stability) has been performed for this missense variant. However, the output from this modeling did not meet the statistical confidence thresholds required to predict the impact of this variant on NF1 protein function. In summary, the available evidence is currently insufficient to determine the role of this variant in disease. Therefore, it has been classified as a Variant of Uncertain Significance.

Genome-Nilou Lab
Classification: Uncertain significance for Neurofibromatosis, type 1. Last evaluated: 2022-03-15. Review status: criteria provided, single submitter. Criteria: ACMG Guidelines, 2015. Collection method: clinical testing. Allele origin: germline. Affected: no.

PreventionGenetics, part of Exact Sciences
Classification: Uncertain significance. Last evaluated: 2017-09-01. Review status: criteria provided, single submitter. Criteria: ACMG Guidelines, 2015. Collection method: clinical testing. Allele origin: germline.